The following is an entry in ClinVar:

ClinVar aggregate classification (germline): Uncertain significance (1 of 4 stars; one submission).

Conditions:
Inborn genetic diseases. Identifiers: MedGen C0950123, MeSH D030342.

Submission:

Ambry Genetics
Classification: Uncertain significance for Inborn genetic diseases. Last evaluated: 2025-08-29. Review status: criteria provided, single submitter. Criteria: Ambry Variant Classification Scheme 2023. Collection method: clinical testing. Allele origin: germline.
Comment: The c.314T>C (p.M105T) alteration is located in exon 4 (coding exon 2) of the IRF6 gene. This alteration results from a T to C substitution at nucleotide position 314, causing the methionine (M) at amino acid position 105 to be replaced by a threonine (T). This variant was not reported in population-based cohorts in the Genome Aggregation Database (gnomAD). This amino acid position is highly conserved in available vertebrate species. This missense alteration is located in a region that has a low rate of benign missense variation (Lek, 2016; Firth, 2009). This alteration is predicted to be deleterious by in silico analysis. Based on insufficient or conflicting evidence, the clinical significance of this alteration remains unclear.

NM_006147.4(IRF6):c.314T>C (p.Met105Thr)

Gene: IRF6 (interferon regulatory factor 6; minus strand). Cytogenetic location: 1q32.2.
Variant type: single nucleotide variant.
Coding change: c.314T>C on transcript NM_006147.4 (MANE Select); coding-DNA position 314, T replaced by C.
Protein change: p.Met105Thr; replaces methionine 105 with threonine.
Molecular consequence: missense variant.
Genome position (GRCh38, 1-based): chr1:209,796,413, A>G on the plus strand (T>C on the coding strand, the complement: IRF6 is on the minus strand). VCF-style: chr1-209796413-A-G. GRCh37 (hg19) VCF-style: chr1-209969758-A-G.
Other names: c.29T>C, p.Met10Thr (NM_001206696.2); short protein forms M10T, M105T.
Identifiers: ClinVar variation 4039570 (VCV004039570.2).